The following is an entry in ClinVar:

ClinVar aggregate classification (germline): Conflicting classifications of pathogenicity. Review status: criteria provided, conflicting classifications (1 of 4 stars). 4 submissions from 4 submitters: Uncertain significance (3); Likely benign (1). Last evaluated 2025-12-20.

Conditions:
Joubert syndrome 21 (JBTS21). Identifiers: MedGen C3810212, MONDO:0014288, OMIM 615636.

Allele frequency attached by ClinVar (database versions not stated): gnomAD exomes 0.00004 and 0.00008; gnomAD 0.00037 and 0.00036; 1000 Genomes Project 30x 0.00062; ESP Exome Variant Server 0.00016; TOPMed 0.00041; ExAC 0.00010; 1000 Genomes Project 0.00060.
gnomAD v4.1: 110 of 1,614,142 alleles (0.0068%); highest among the groups gnomAD compares: African/African-American, 0.13%; 1 homozygote.

Submissions (4):

GeneDx
Classification: Uncertain significance. Last evaluated: 2025-12-20. Review status: criteria provided, single submitter. Criteria: GeneDx Variant Classification Process June 2021. Collection method: clinical testing. Allele origin: germline. Affected: yes.
Comment: In silico analysis suggests that this missense variant does not alter protein structure/function; Has not been previously published as pathogenic or benign to our knowledge

Blueprint Genetics
Classification: Likely benign. Last evaluated: 2024-09-26. Review status: criteria provided, single submitter. Criteria: ACMG Guidelines, 2015. Collection method: clinical testing. Allele origin: germline.

Labcorp Genetics (formerly Invitae), Labcorp
Classification: Uncertain significance for Joubert syndrome 21. Last evaluated: 2022-10-17. Review status: criteria provided, single submitter. Criteria: Invitae Variant Classification Sherloc (09022015). Collection method: clinical testing. Allele origin: germline.
Comment: This sequence change replaces lysine, which is basic and polar, with glutamic acid, which is acidic and polar, at codon 1031 of the CSPP1 protein (p.Lys1031Glu). This variant is present in population databases (rs369060106, gnomAD 0.1%). This variant has not been reported in the literature in individuals affected with CSPP1-related conditions. ClinVar contains an entry for this variant (Variation ID: 850162). Algorithms developed to predict the effect of missense changes on protein structure and function output the following: SIFT: "Tolerated"; PolyPhen-2: "Benign"; Align-GVGD: "Class C0". The glutamic acid amino acid residue is found in multiple mammalian species, which suggests that this missense change does not adversely affect protein function. In summary, the available evidence is currently insufficient to determine the role of this variant in disease. Therefore, it has been classified as a Variant of Uncertain Significance.

Breakthrough Genomics
Classification: Uncertain significance. Review status: criteria provided, single submitter. Criteria: ACMG Guidelines, 2015. Collection method: not provided. Allele origin: germline. Inheritance: Autosomal recessive inheritance. Affected: yes.

NM_001382391.1(CSPP1):c.3106A>G (p.Lys1036Glu)

Genes: ARFGEF1 (ARF guanine nucleotide exchange factor 1; minus strand), CSPP1 (centrosome and spindle pole associated protein 1; plus strand). Cytogenetic location: 8q13.2.
Variant type: single nucleotide variant.
Coding change: c.3106A>G on transcript NM_001382391.1 (MANE Select); coding-DNA position 3106, A replaced by G.
Protein change: p.Lys1036Glu; replaces lysine 1036 with glutamic acid.
Molecular consequence: missense variant. On other transcripts: 3 prime UTR variant (2).
Genome position (GRCh38, 1-based): chr8:67,175,433, A>G. VCF-style: chr8-67175433-A-G. GRCh37 (hg19) VCF-style: chr8-68087668-A-G.
Other names: c.*122T>C (NM_001413186.1, NM_001413187.1); c.2056A>G, p.Lys686Glu (NM_001291339.2); c.3025A>G, p.Lys1009Glu (NM_001363131.2); c.2911A>G, p.Lys971Glu (NM_001363132.2); c.2830A>G, p.Lys944Glu (NM_001363133.2); c.3172A>G, p.Lys1058Glu (NM_001364869.1); c.2992A>G, p.Lys998Glu (NM_001364870.1); c.2938A>G, p.Lys980Glu (NM_001438330.1); and 2 more; short protein forms K1009E, K1031E, K1058E, K944E, K971E, K686E, K998E, K1036E.
Identifiers: ClinVar variation 850162 (VCV000850162.8), dbSNP rs369060106, ClinGen allele CA4771022.